The following is an entry in ClinVar:

ClinVar aggregate classification (germline): Pathogenic/Likely pathogenic. Review status: criteria provided, multiple submitters, no conflicts (2 of 4 stars). 5 submissions from 5 submitters: Pathogenic (2); Likely pathogenic (2). 1 of the submissions does not count toward it. Last evaluated 2025-03-24.

Conditions:
Congenital factor VII deficiency. Identifiers: Orphanet 327, MedGen C0272320, MONDO:0009211, OMIM 227500.
Myocardial infarction, susceptibility to. Identifiers: MedGen C1832662, MONDO:0012039, OMIM 608446.
Factor VII deficiency. Also called: Factor 7 deficiency; F7 DEFICIENCY; HYPOPROCONVERTINEMIA. Identifiers: MedGen C0015503, MeSH D005168, MONDO:0002244.

Allele frequency attached by ClinVar (database versions not stated): ExAC 0.00001; gnomAD 0.00001; TOPMed 0.00002; ESP Exome Variant Server 0.00008; gnomAD exomes below 0.00001.
gnomAD v4.1: 11 of 1,612,772 alleles (0.00068%); highest among the groups gnomAD compares: Non-Finnish European, 0.00093%; no homozygotes.

Submissions (5):

Mayo Clinic Laboratories, Mayo Clinic
Classification: Pathogenic. Last evaluated: 2025-03-24. Review status: criteria provided, single submitter. Criteria: ACMG Guidelines, 2015. Collection method: clinical testing. Allele origin: germline. Observed: 2 variant alleles.
Comment: PP3_strong, PM1, PM2_supporting, PM3_strong, PS4_moderate

North West Genomic Laboratory Hub, Manchester University NHS Foundation Trust
Classification: Pathogenic for Factor VII deficiency. Last evaluated: 2025-03-14. Review status: criteria provided, single submitter. Criteria: ACGS Best Practice Guidelines for Variant Classification in Rare Disease 2024. Collection method: clinical testing. Allele origin: germline. Affected: yes.
Comment: PP3_Supp PP4_Mod PM2_Mod PM3_VStr

Fulgent Genetics
Classification: Likely pathogenic for Congenital factor VII deficiency; Myocardial infarction, susceptibility to. Last evaluated: 2023-12-30. Review status: criteria provided, single submitter. Criteria: ACMG Guidelines, 2015. Collection method: clinical testing. Allele origin: germline.

Centre of Medical Genetics, University Hospital Muenster
Classification: Likely pathogenic. Last evaluated: 2021-02-22. Review status: criteria provided, single submitter. Criteria: ACMG Guidelines, 2015. Collection method: clinical testing. Allele origin: unknown. Affected: yes. Observed: 1 variant allele, 1 heterozygote.
Comment: ACMG categories: PM1,PM2,PP2,PP3,PP4,PP5,BP1

ISTH-SSC Genomics in Thrombosis and Hemostasis, KU Leuven, Center for Molecular and Vascular Biology
Classification: Uncertain significance for Congenital factor VII deficiency. Review status: no assertion criteria provided. Collection method: research. Allele origin: unknown. Affected: yes. Not counted in ClinVar's aggregate classification.
Comment: Submitted to GoldVariant by Dr Karyn Mégy from NIHR Bioresource - Cambridge University, UK

Literature cited by the submitters: PubMed 10862079 (cited by Mayo Clinic Laboratories, Mayo Clinic); PubMed 10959697 (cited by Mayo Clinic Laboratories, Mayo Clinic); PubMed 11129332 (cited by Mayo Clinic Laboratories, Mayo Clinic); PubMed 11225604 (cited by Mayo Clinic Laboratories, Mayo Clinic); PubMed 11313743 (cited by Mayo Clinic Laboratories, Mayo Clinic); PubMed 12632035 (cited by Mayo Clinic Laboratories, Mayo Clinic); PubMed 15741795 (cited by Mayo Clinic Laboratories, Mayo Clinic); PubMed 18282149 (cited by Mayo Clinic Laboratories, Mayo Clinic); PubMed 25952977 (cited by Mayo Clinic Laboratories, Mayo Clinic); PubMed 32333443 (cited by Mayo Clinic Laboratories, Mayo Clinic and Centre of Medical Genetics, University Hospital Muenster); PubMed 33215792 (cited by Mayo Clinic Laboratories, Mayo Clinic); PubMed 38202056 (cited by Mayo Clinic Laboratories, Mayo Clinic); PubMed 38397060 (cited by Mayo Clinic Laboratories, Mayo Clinic).

NM_019616.4(F7):c.517T>C (p.Cys173Arg)

Gene: F7 (coagulation factor VII; plus strand). Cytogenetic location: 13q34.
Variant type: single nucleotide variant.
Coding change: c.517T>C on transcript NM_019616.4 (MANE Select); coding-DNA position 517, T replaced by C.
Protein change: p.Cys173Arg; replaces cysteine 173 with arginine.
Molecular consequence: missense variant. On other transcripts: non-coding transcript variant (1).
Genome position (GRCh38, 1-based): chr13:113,116,777, T>C. VCF-style: chr13-113116777-T-C. GRCh37 (hg19) VCF-style: chr13-113771091-T-C.
Other names: p.Cys195Arg; c.583T>C, p.Cys195Arg (NM_000131.5); c.331T>C, p.Cys111Arg (NM_001267554.2); short protein forms C111R, C173R, C195R.
Identifiers: ClinVar variation 1684389 (VCV001684389.10), dbSNP rs372577568, ClinGen allele CA7060003.